The following is an entry in ClinVar:

NM_001903.5(CTNNA1):c.657G>A (p.Pro219=)

Gene: CTNNA1 (catenin alpha 1; plus strand). Cytogenetic location: 5q31.2.
Variant type: single nucleotide variant.
Coding change: c.657G>A on transcript NM_001903.5 (MANE Select); coding-DNA position 657, G replaced by A.
Protein change: p.Pro219=; no amino-acid change (proline 219 retained).
Molecular consequence: synonymous variant.
Genome position (GRCh38, 1-based): chr5:138,824,598, G>A. VCF-style: chr5-138824598-G-A. GRCh37 (hg19) VCF-style: chr5-138160287-G-A.
Other names: c.657G>A, p.Pro219= (NM_001290307.3, NM_001323982.2, NM_001323983.1 and 3 more transcripts); c.348G>A, p.Pro116= (NM_001290309.3); c.288G>A, p.Pro96= (NM_001290310.3); c.657G>A (NM_001903.4).
Identifiers: ClinVar variation 701858 (VCV000701858.17), dbSNP rs751221688, ClinGen allele CA3431520.

ClinVar aggregate classification (germline): Benign/Likely benign. Review status: criteria provided, multiple submitters, no conflicts (2 of 4 stars). 5 submissions from 5 submitters: Benign (1); Likely benign (3). 1 of the submissions does not count toward it. Last evaluated 2026-01-15.

Conditions:
CTNNA1-related disorder. Also called: CTNNA1-related condition.
Hereditary diffuse gastric adenocarcinoma (HDGC). Also called: DIFFUSE GASTRIC AND LOBULAR BREAST CANCER SYNDROME. Identifiers: Orphanet 26106, MedGen C1708349, MONDO:0007648, OMIM 137215.
Hereditary cancer-predisposing syndrome. Also called: Neoplastic Syndromes, Hereditary; Hereditary neoplastic syndrome; Hereditary Cancer Syndrome; Tumor predisposition. Identifiers: Orphanet 140162, MedGen C0027672, MeSH D009386, MONDO:0015356.

Allele frequency attached by ClinVar (database versions not stated): TOPMed 0.00001; gnomAD exomes 0.00002.
gnomAD v4.1: 24 of 1,614,048 alleles (0.0015%); highest among the groups gnomAD compares: South Asian, 0.0022%; no homozygotes.

Submissions (5):

Labcorp Genetics (formerly Invitae), Labcorp
Classification: Likely benign. Last evaluated: 2026-01-15. Review status: criteria provided, single submitter. Criteria: Invitae Variant Classification Sherloc (09022015). Collection method: clinical testing. Allele origin: germline.

Myriad Genetics, Inc.
Classification: Benign for Hereditary diffuse gastric adenocarcinoma. Last evaluated: 2024-10-10. Review status: criteria provided, single submitter. Criteria: Myriad Autosomal Dominant, Autosomal Recessive and X-Linked Classification Criteria (2023). Collection method: clinical testing. Allele origin: unknown.
Comment: This variant is considered benign. This variant is a silent/synonymous amino acid change and it is not expected to impact splicing.

Blueprint Genetics
Classification: Likely benign. Last evaluated: 2023-03-16. Review status: criteria provided, single submitter. Criteria: ACMG Guidelines, 2015. Collection method: clinical testing. Allele origin: germline.

Ambry Genetics
Classification: Likely benign for Hereditary cancer-predisposing syndrome. Last evaluated: 2020-03-05. Review status: criteria provided, single submitter. Criteria: Ambry Variant Classification Scheme 2023. Collection method: clinical testing. Allele origin: germline.

PreventionGenetics, part of Exact Sciences
Classification: Likely benign for CTNNA1-related condition. Last evaluated: 2020-01-15. Review status: no assertion criteria provided. Collection method: clinical testing. Allele origin: germline. Not counted in ClinVar's aggregate classification.
Comment: This variant is classified as likely benign based on ACMG/AMP sequence variant interpretation guidelines (Richards et al. 2015 PMID: 25741868, with internal and published modifications).